The following is an entry in ClinVar:

ClinVar aggregate classification (germline): Uncertain significance (1 of 4 stars; one submission).

Conditions:
Neurodevelopmental disorder with cerebellar atrophy and motor dysfunction. Identifiers: MedGen C5543427, MONDO:0859152, OMIM 619333.

Allele frequency attached by ClinVar (database versions not stated): gnomAD exomes below 0.00001.
gnomAD v4.1: 1 of 1,613,698 alleles (0.000062%); highest among the groups gnomAD compares: Non-Finnish European, 0.000085%; no homozygotes.

Submission:

Neuberg Centre For Genomic Medicine, NCGM
Classification: Uncertain significance for Neurodevelopmental disorder with cerebellar atrophy and motor dysfunction. Review status: criteria provided, single submitter. Criteria: ACMG Guidelines, 2015. Collection method: clinical testing. Allele origin: germline. Inheritance: Autosomal recessive inheritance. Affected: yes.
Comment: The missense variant c.1919C>T (p.Ala640Val) in GEMIN5 gene has not been reported previously as a pathogenic variant nor as a benign variant, to our knowledge. The p.Ala640Val variant is novel (not in any individuals) in gnomAD exomes and 1000 Genomes. This variant has not been reported to the ClinVar database. The amino acid Ala at position 640 is changed to a Val changing protein sequence and it might alter its composition and physico-chemical properties. The amino acid change p.Ala640Val in GEMIN5 is predicted as conserved by GERP++ and PhyloP across 100 vertebrates. For these reasons, this variant has been classified as Uncertain Significance (VUS).

NM_015465.5(GEMIN5):c.1919C>T (p.Ala640Val)

Gene: GEMIN5 (gem nuclear organelle associated protein 5; minus strand). Cytogenetic location: 5q33.2.
Variant type: single nucleotide variant.
Coding change: c.1919C>T on transcript NM_015465.5 (MANE Select); coding-DNA position 1919, C replaced by T.
Protein change: p.Ala640Val; replaces alanine 640 with valine.
Molecular consequence: missense variant.
Genome position (GRCh38, 1-based): chr5:154,912,975, G>A on the plus strand (C>T on the coding strand, the complement: GEMIN5 is on the minus strand). VCF-style: chr5-154912975-G-A. GRCh37 (hg19) VCF-style: chr5-154292535-G-A.
Other names: c.1916C>T, p.Ala639Val (NM_001252156.2); short protein forms A639V, A640V.
Identifiers: ClinVar variation 2584966 (VCV002584966.1), dbSNP rs2481067668, ClinGen allele CA361918966.